The following is an entry in ClinVar:

ClinVar aggregate classification (germline): Likely benign. Review status: criteria provided, multiple submitters, no conflicts (2 of 4 stars). 2 submissions from 2 submitters: Likely benign (2). Last evaluated 2023-07-19.

Conditions:
Familial adenomatous polyposis 2. Also called: MUTYH Polyposis; COLORECTAL ADENOMATOUS POLYPOSIS, AUTOSOMAL RECESSIVE; ADENOMAS, MULTIPLE COLORECTAL, AUTOSOMAL RECESSIVE; MUTYH-related attenuated familial adenomatous polyposis; FAP type 2; MUTYH-associated polyposis. Identifiers: Orphanet 220460, Orphanet 247798, MedGen C3272841, MONDO:0012041, OMIM 608456.

Submissions (2):

All of Us Research Program, National Institutes of Health
Classification: Likely benign for Familial adenomatous polyposis 2. Last evaluated: 2023-07-19. Review status: criteria provided, single submitter. Criteria: ACMG Guidelines, 2015. Collection method: clinical testing. Allele origin: germline. Inheritance: Autosomal recessive inheritance. Observed: 1 variant allele, 1 heterozygote.
Comment: This study involves interpretation of variants in research participants for the purpose of population health screening. Participant phenotype was not available at the time of variant classification. Additional details can be found in publication PMID: 35346344, PMCID: PMC8962531

Labcorp Genetics (formerly Invitae), Labcorp
Classification: Likely benign for Familial adenomatous polyposis 2. Last evaluated: 2018-04-16. Review status: criteria provided, single submitter. Criteria: Invitae Variant Classification Sherloc (09022015). Collection method: clinical testing. Allele origin: germline.

NM_001048174.2(MUTYH):c.1095C>G (p.Pro365=)

Gene: MUTYH (mutY DNA glycosylase; minus strand). Cytogenetic location: 1p34.1.
Variant type: single nucleotide variant.
Coding change: c.1095C>G on transcript NM_001048174.2 (MANE Select); coding-DNA position 1095, C replaced by G.
Protein change: p.Pro365=; no amino-acid change (proline 365 retained).
Molecular consequence: synonymous variant. On other transcripts: non-coding transcript variant (2).
Genome position (GRCh38, 1-based): chr1:45,331,668, G>C on the plus strand (C>G on the coding strand, the complement: MUTYH is on the minus strand). VCF-style: chr1-45331668-G-C. GRCh37 (hg19) VCF-style: chr1-45797340-G-C.
Other names: c.1095C>G, p.Pro365= (NM_001048171.2, NM_001048173.2, NM_001293195.2); c.1098C>G, p.Pro366= (NM_001048172.2); c.1179C>G, p.Pro393= (NM_001128425.2); c.1140C>G, p.Pro380= (NM_001293190.2); c.1128C>G, p.Pro376= (NM_001293191.2); c.819C>G, p.Pro273= (NM_001293192.2, NM_001293196.2); c.750C>G, p.Pro250= (NM_001350650.2, NM_001350651.2); c.1170C>G, p.Pro390= (NM_012222.3).
Identifiers: ClinVar variation 758307 (VCV000758307.9), dbSNP rs1570380575, ClinGen allele CA417879947.